The following is an entry in ClinVar:

ClinVar aggregate classification (germline): Uncertain significance (1 of 4 stars; one submission).

Conditions:
MAN2C1-related disorder. Also called: MAN2C1-related condition.

gnomAD v4.1: 2 of 1,604,486 alleles (0.00012%); highest among the groups gnomAD compares: Non-Finnish European, 0.00017%; no homozygotes.

Submission:

PreventionGenetics, part of Exact Sciences
Classification: Uncertain significance for MAN2C1-related condition. Last evaluated: 2025-08-21. Review status: criteria provided, single submitter. Criteria: ACMG Guidelines, 2015. Collection method: clinical testing. Allele origin: germline.
Comment: The MAN2C1 c.151C>G variant is predicted to result in the amino acid substitution p.Pro51Ala. To our knowledge, this variant has not been reported in the literature or in a large population database (gnomAD), indicating this variant is rare. At this time, the clinical significance of this variant is uncertain due to the absence of conclusive functional and genetic evidence.

NM_006715.4(MAN2C1):c.151C>G (p.Pro51Ala)

Gene: MAN2C1 (mannosidase alpha class 2C member 1; minus strand). Cytogenetic location: 15q24.2.
Variant type: single nucleotide variant.
Coding change: c.151C>G on transcript NM_006715.4 (MANE Select); coding-DNA position 151, C replaced by G.
Protein change: p.Pro51Ala; replaces proline 51 with alanine.
Molecular consequence: missense variant.
Genome position (GRCh38, 1-based): chr15:75,368,149, G>C on the plus strand (C>G on the coding strand, the complement: MAN2C1 is on the minus strand). VCF-style: chr15-75368149-G-C. GRCh37 (hg19) VCF-style: chr15-75660490-G-C.
Other names: c.151C>G, p.Pro51Ala (NM_001256494.2, NM_001256495.2, NM_001256496.2); short protein forms P51A.
Identifiers: ClinVar variation 4982007 (VCV004982007.1).